The following is an entry in ClinVar:

ClinVar aggregate classification (germline): Uncertain significance (1 of 4 stars; one submission).

Conditions:
Congenital insensitivity to pain-hypohidrosis syndrome. Also called: HSAN VIII; Neuropathy, hereditary sensory and autonomic, type VIII. Identifiers: Orphanet 478664, MedGen C4225308, MONDO:0014662, OMIM 616488.

Allele frequency attached by ClinVar (database versions not stated): gnomAD 0.00001.
gnomAD v4.1: 2 of 977,720 alleles (0.0002%); highest among the groups gnomAD compares: African/African-American, 0.0018%; no homozygotes.

Submission:

Labcorp Genetics (formerly Invitae), Labcorp
Classification: Uncertain significance for Congenital insensitivity to pain-hypohidrosis syndrome. Last evaluated: 2018-06-25. Review status: criteria provided, single submitter. Criteria: Invitae Variant Classification Sherloc (09022015). Collection method: clinical testing. Allele origin: germline.
Comment: While this variant is not present in population databases, the frequency information is unreliable, as metrics indicate poor data quality at this position in the ExAC database. In summary, the available evidence is currently insufficient to determine the role of this variant in disease. Therefore, it has been classified as a Variant of Uncertain Significance. Algorithms developed to predict the effect of missense changes on protein structure and function are either unavailable or do not agree on the potential impact of this missense change (SIFT: "Deleterious"; PolyPhen-2: "Not Available"; Align-GVGD: "Class C0"). This variant has not been reported in the literature in individuals with PRDM12-related disease. This sequence change replaces methionine with valine at codon 365 of the PRDM12 protein (p.Met365Val). The methionine residue is highly conserved and there is a small physicochemical difference between methionine and valine.

NM_021619.3(PRDM12):c.1093A>G (p.Met365Val)

Gene: PRDM12 (PR/SET domain 12; plus strand). Cytogenetic location: 9q34.12.
Variant type: single nucleotide variant.
Coding change: c.1093A>G on transcript NM_021619.3 (MANE Select); coding-DNA position 1093, A replaced by G.
Protein change: p.Met365Val; replaces methionine 365 with valine.
Molecular consequence: missense variant.
Genome position (GRCh38, 1-based): chr9:130,681,658, A>G. VCF-style: chr9-130681658-A-G. GRCh37 (hg19) VCF-style: chr9-133557045-A-G.
Other names: short protein forms M365V.
Identifiers: ClinVar variation 572708 (VCV000572708.8), dbSNP rs1344661944, ClinGen allele CA375245341.